The following is an entry in ClinVar:

NM_007186.6(CEP250):c.722G>A (p.Arg241Gln)

Gene: CEP250 (centrosomal protein 250; plus strand). Cytogenetic location: 20q11.22.
Variant type: single nucleotide variant.
Coding change: c.722G>A on transcript NM_007186.6 (MANE Select); coding-DNA position 722, G replaced by A.
Protein change: p.Arg241Gln; replaces arginine 241 with glutamine.
Molecular consequence: missense variant. On other transcripts: 5 prime UTR variant (1).
Genome position (GRCh38, 1-based): chr20:35,467,426, G>A. VCF-style: chr20-35467426-G-A. GRCh37 (hg19) VCF-style: chr20-34055251-G-A.
Other names: c.-1178G>A (NM_001318219.1); short protein forms R241Q.
Identifiers: ClinVar variation 1474508 (VCV001474508.5), dbSNP rs548805618, ClinGen allele CA314147765.

ClinVar aggregate classification (germline): Uncertain significance (1 of 4 stars; one submission).

Allele frequency attached by ClinVar (database versions not stated): gnomAD exomes below 0.00001; TOPMed 0.00003.

Submission:

Labcorp Genetics (formerly Invitae), Labcorp
Classification: Uncertain significance. Last evaluated: 2022-07-12. Review status: criteria provided, single submitter. Criteria: Invitae Variant Classification Sherloc (09022015). Collection method: clinical testing. Allele origin: germline.
Comment: This sequence change replaces arginine, which is basic and polar, with glutamine, which is neutral and polar, at codon 241 of the CEP250 protein (p.Arg241Gln). This variant is present in population databases (rs548805618, gnomAD 0.0009%). This variant has not been reported in the literature in individuals affected with CEP250-related conditions. ClinVar contains an entry for this variant (Variation ID: 1474508). Algorithms developed to predict the effect of missense changes on protein structure and function are either unavailable or do not agree on the potential impact of this missense change (SIFT: "Not Available"; PolyPhen-2: "Benign"; Align-GVGD: "Not Available"). In summary, the available evidence is currently insufficient to determine the role of this variant in disease. Therefore, it has been classified as a Variant of Uncertain Significance.